The following is an entry in ClinVar:

NM_000027.4(AGA):c.127+25C>T

Gene: AGA (aspartylglucosaminidase; minus strand). Cytogenetic location: 4q34.3.
Variant type: single nucleotide variant.
Coding change: c.127+25C>T on transcript NM_000027.4 (MANE Select); 25 bases into the intron after coding-DNA position 127, C replaced by T.
Molecular consequence: intron variant.
Genome position (GRCh38, 1-based): chr4:177,442,224, G>A on the plus strand (C>T on the coding strand, the complement: AGA is on the minus strand). VCF-style: chr4-177442224-G-A. GRCh37 (hg19) VCF-style: chr4-178363378-G-A.
Other names: c.127+25C>T (NM_001171988.2).
Identifiers: ClinVar variation 558965 (VCV000558965.10), dbSNP rs11131799, ClinGen allele CA3147035.

ClinVar aggregate classification (germline): Benign. Review status: criteria provided, multiple submitters, no conflicts (2 of 4 stars). 4 submissions from 4 submitters: Benign (3). 1 of the submissions does not count toward it. Last evaluated 2021-07-10.

Conditions:
Aspartylglucosaminuria (AGU). Also called: AGA DEFICIENCY; GLYCOASPARAGINASE; GLYCOSYLASPARAGINASE DEFICIENCY; Aspartylglucos-aminuria; Aspartylglucos-amidase (AGA) deficiency. Identifiers: Orphanet 93, MedGen C0268225, MONDO:0008830, OMIM 208400, HP:0012068.

Allele frequency attached by ClinVar (database versions not stated): TOPMed 0.60148; 1000 Genomes Project 30x 0.60150; gnomAD 0.60222 and 0.60759; ESP Exome Variant Server 0.60657; 1000 Genomes Project 0.61042; gnomAD exomes 0.64879; ExAC 0.65526.

Submissions (4):

Genome-Nilou Lab
Classification: Benign for Aspartylglucosaminuria. Last evaluated: 2021-07-10. Review status: criteria provided, single submitter. Criteria: ACMG Guidelines, 2015. Collection method: clinical testing. Allele origin: germline. Affected: no.

GeneDx
Classification: Benign. Last evaluated: 2018-06-19. Review status: criteria provided, single submitter. Criteria: GeneDx Variant Classification (06012015). Collection method: clinical testing. Allele origin: germline. Affected: yes.
Comment: This variant is considered likely benign or benign based on one or more of the following criteria: it is a conservative change, it occurs at a poorly conserved position in the protein, it is predicted to be benign by multiple in silico algorithms, and/or has population frequency not consistent with disease.

Breakthrough Genomics
Classification: Benign. Review status: criteria provided, single submitter. Criteria: ACMG Guidelines, 2015. Collection method: not provided. Allele origin: germline. Inheritance: Autosomal recessive inheritance. Affected: yes.

Mayo Clinic Laboratories, Mayo Clinic
Classification: Benign. Last evaluated: 2015-10-22. Review status: no assertion criteria provided. Collection method: clinical testing. Allele origin: unknown. Not counted in ClinVar's aggregate classification.